The following is an entry in ClinVar:

ClinVar aggregate classification (germline): Benign. Review status: criteria provided, single submitter (1 of 4 stars). 2 submissions from 2 submitters: Benign (1). 1 of the submissions does not count toward it. Last evaluated 2026-01-11.

Conditions:
ANTXR1-related disorder. Also called: ANTXR1-related condition.

Allele frequency attached by ClinVar (database versions not stated): 1000 Genomes Project 0.00499; 1000 Genomes Project 30x 0.00593; TOPMed 0.00969; gnomAD 0.00977; ESP Exome Variant Server 0.01146; ExAC 0.01154; gnomAD exomes 0.01534.
gnomAD v4.1: 23,734 of 1,614,054 alleles (1.5%); highest among the groups gnomAD compares: Non-Finnish European, 1.8%; 233 homozygotes.

Submissions (2):

Labcorp Genetics (formerly Invitae), Labcorp
Classification: Benign. Last evaluated: 2026-01-11. Review status: criteria provided, single submitter. Criteria: Invitae Variant Classification Sherloc (09022015). Collection method: clinical testing. Allele origin: germline.

PreventionGenetics, part of Exact Sciences
Classification: Benign for ANTXR1-related condition. Last evaluated: 2019-03-20. Review status: no assertion criteria provided. Collection method: clinical testing. Allele origin: germline. Not counted in ClinVar's aggregate classification.
Comment: This variant is classified as benign based on ACMG/AMP sequence variant interpretation guidelines (Richards et al. 2015 PMID: 25741868, with internal and published modifications).

NM_032208.3(ANTXR1):c.450T>C (p.Asp150=)

Gene: ANTXR1 (ANTXR cell adhesion molecule 1; plus strand). Cytogenetic location: 2p13.3.
Variant type: single nucleotide variant.
Coding change: c.450T>C on transcript NM_032208.3 (MANE Select); coding-DNA position 450, T replaced by C.
Protein change: p.Asp150=; no amino-acid change (aspartic acid 150 retained).
Molecular consequence: synonymous variant.
Genome position (GRCh38, 1-based): chr2:69,073,059, T>C. VCF-style: chr2-69073059-T-C. GRCh37 (hg19) VCF-style: chr2-69300191-T-C.
Other names: c.450T>C, p.Asp150= (NM_001410840.1, NM_018153.3, NM_053034.2); c.450T>C (NM_032208.2).
Identifiers: ClinVar variation 2040640 (VCV002040640.6), dbSNP rs77687153, ClinGen allele CA1692889.
Genomic context (GRCh38, chr2:69,073,059, plus strand): 5'-CCAGTCTGTATTGTGTTAAACAGGGTACAGGACAGCCAGCGTCATCATTGCTTTGACTGA[T>C]GGAGAACTCCATGAAGATCTCTTTTTCTATTCAGAGAGGGAGGTAAGCAACGGCCTGGCT-3'
Protein context (NP_115584.1, residues 140-160): RTASVIIALT[Asp150=]GELHEDLFFY